The following is an entry in ClinVar:

NM_016373.4(WWOX):c.90C>T (p.Gly30=)

Gene: WWOX (WW domain containing oxidoreductase; plus strand). Cytogenetic location: 16q23.1.
Variant type: single nucleotide variant.
Coding change: c.90C>T on transcript NM_016373.4 (MANE Select); coding-DNA position 90, C replaced by T.
Protein change: p.Gly30=; no amino-acid change (glycine 30 retained).
Molecular consequence: synonymous variant. On other transcripts: 5 prime UTR variant (1), non-coding transcript variant (2).
Genome position (GRCh38, 1-based): chr16:78,099,868, C>T. VCF-style: chr16-78099868-C-T. GRCh37 (hg19) VCF-style: chr16-78133765-C-T.
Other names: c.-185C>T (NM_001291997.2); c.90C>T, p.Gly30= (NM_130791.5).
Identifiers: ClinVar variation 540229 (VCV000540229.11), dbSNP rs772839022, ClinGen allele CA8182988.

ClinVar aggregate classification (germline): Likely benign. Review status: criteria provided, multiple submitters, no conflicts (2 of 4 stars). 2 submissions from 2 submitters: Likely benign (2). Last evaluated 2026-07-01.

Conditions:
Autosomal recessive spinocerebellar ataxia 12. Also called: SPINOCEREBELLAR ATAXIA WITH MENTAL RETARDATION AND EPILEPSY. Identifiers: Orphanet 284282, MedGen C3280452, MONDO:0013687, OMIM 614322.
Developmental and epileptic encephalopathy, 1 (DEE1). Also called: X-linked infantile spasms; West's syndrome; Tonic spasms with clustering, arrest of psychomotor development and hypsarrhythmia on EEG; X-Linked Infantile Spasm Syndrome; INFANTILE SPASM SYNDROME, X-LINKED 1; OHTAHARA SYNDROME, X-LINKED. Identifiers: MedGen C3463992, MONDO:0010632, OMIM 308350. Disease mechanism: loss of function.

Allele frequency attached by ClinVar (database versions not stated): gnomAD exomes below 0.00001; TOPMed 0.00001; ExAC 0.00004.
gnomAD v4.1: 6 of 1,573,166 alleles (0.00038%); highest among the groups gnomAD compares: Admixed American, 0.0019%; no homozygotes.

Submissions (2):

CeGaT Center for Human Genetics Tuebingen
Classification: Likely benign. Last evaluated: 2026-07-01. Review status: criteria provided, single submitter. Criteria: CeGaT Center For Human Genetics Tuebingen Variant Classification Criteria Version 2. Collection method: clinical testing. Allele origin: germline. Affected: yes. Observed: 1 variant allele.
Comment: WWOX: BP4, BP7

Labcorp Genetics (formerly Invitae), Labcorp
Classification: Likely benign for Developmental and epileptic encephalopathy, 1; Autosomal recessive spinocerebellar ataxia 12. Last evaluated: 2025-09-22. Review status: criteria provided, single submitter. Criteria: Invitae Variant Classification Sherloc (09022015). Collection method: clinical testing. Allele origin: germline.